The following is an entry in ClinVar:

ClinVar aggregate classification (germline): Pathogenic/Likely pathogenic. Review status: criteria provided, multiple submitters, no conflicts (2 of 4 stars). 7 submissions from 7 submitters: Pathogenic (1); Likely pathogenic (6). Last evaluated 2026-01-21.

Conditions:
Kidney disorder. Also called: Nephropathy; Kidney disease; Kidney Diseases; renal disease; renal disorder. Identifiers: MedGen C0022658, MONDO:0005240, HP:0000112.
Nephronophthisis 4 (NPHP4). Also called: NEPHRONOPHTHISIS 4, JUVENILE. Identifiers: Orphanet 655, MedGen C1847013, MONDO:0011752, OMIM 606966.
Senior-Loken syndrome 4 (SLSN4). Identifiers: Orphanet 3156, MedGen C1846979, MONDO:0011756, OMIM 606996.
NPHP4-related disorder. Also called: NPHP4-related condition; NPHP4-related disorders. Identifiers: MedGen CN239384.
Nephronophthisis. Also called: Juvenile Nephronophthisis. Identifiers: Orphanet 655, MedGen C0687120, MONDO:0019005, HP:0000090.

Allele frequency attached by ClinVar (database versions not stated): TOPMed 0.00004.
gnomAD v4.1: 16 of 1,596,390 alleles (0.001%); highest among the groups gnomAD compares: African/African-American, 0.015%; no homozygotes.

Submissions (7):

GeneDx
Classification: Likely pathogenic. Last evaluated: 2026-01-21. Review status: criteria provided, single submitter. Criteria: GeneDx Variant Classification Process June 2021. Collection method: clinical testing. Allele origin: germline.
Comment: Reported previously in an unaffected carrier; however, no further information was provided (PMID: 31964843); Canonical splice site variant predicted to result in a null allele in a gene for which loss of function is a known mechanism of disease; Not observed at significant frequency in large population cohorts (gnomAD); This variant is associated with the following publications: (PMID: 23559409, 12205563, 31964843)

PreventionGenetics, part of Exact Sciences
Classification: Likely pathogenic for NPHP4-related condition. Last evaluated: 2025-12-02. Review status: criteria provided, single submitter. Criteria: ACMG Guidelines, 2015. Collection method: clinical testing. Allele origin: germline.
Comment: The NPHP4 c.3644+1G>A variant is predicted to disrupt the GT donor site and interfere with normal splicing. This variant has been reported along with an NPHP4 frameshift variant in an individual with nephronophthisis-related ciliopathy (Halbritter et al. 2013. PubMed ID: 23559409). This variant is present in 0.011% of alleles in individuals of African descent in gnomAD. Variants that disrupt the consensus splice donor site in NPHP4 are an established mechanism of disease. This variant has classifications of pathogenic and likely pathogenic in ClinVar (Variation ID: 867163). Given the evidence, we interpret this variant as likely pathogenic.

Variantyx, Inc.
Classification: Likely pathogenic for Nephronophthisis 4. Last evaluated: 2025-07-10. Review status: criteria provided, single submitter. Criteria: Variantyx Assertion Criteria 2022. Collection method: clinical testing. Allele origin: germline. Inheritance: Autosomal recessive inheritance.
Comment: This is a canonical splicing variant in the NPHP4 gene (OMIM: 607215). Pathogenic variants in this gene have been associated with autosomal recessive nephronophthisis 4. This splicing variant is expected to result in loss of function, which is a known disease mechanism for NPHP4 in this disorder (PMID: 12205563, 23559409) (PVS1). This variant has been reported in the compound heterozygous state in an affected individual (PMID: 23559409). This variant has a 0.0147% maximum allele frequency in non-founder control populations (PM2). Based on the current evidence, this variant is classified as likely pathogenic for autosomal recessive nephronophthisis 4.

Labcorp Genetics (formerly Invitae), Labcorp
Classification: Likely pathogenic for Nephronophthisis. Last evaluated: 2024-09-11. Review status: criteria provided, single submitter. Criteria: Invitae Variant Classification Sherloc (09022015). Collection method: clinical testing. Allele origin: germline.
Comment: This sequence change affects a donor splice site in intron 26 of the NPHP4 gene. It is expected to disrupt RNA splicing. Variants that disrupt the donor or acceptor splice site typically lead to a loss of protein function (PMID: 16199547), and loss-of-function variants in NPHP4 are known to be pathogenic (PMID: 12205563, 23559409). This variant is present in population databases (no rsID available, gnomAD 0.01%). Disruption of this splice site has been observed in individual(s) with nephronophthisis (PMID: 23559409). ClinVar contains an entry for this variant (Variation ID: 867163). Algorithms developed to predict the effect of sequence changes on RNA splicing suggest that this variant may disrupt the consensus splice site. In summary, the currently available evidence indicates that the variant is pathogenic, but additional data are needed to prove that conclusively. Therefore, this variant has been classified as Likely Pathogenic.

Fulgent Genetics
Classification: Likely pathogenic for Nephronophthisis 4; Senior-Loken syndrome 4. Last evaluated: 2024-04-04. Review status: criteria provided, single submitter. Criteria: ACMG Guidelines, 2015. Collection method: clinical testing. Allele origin: germline.

Blueprint Genetics
Classification: Likely pathogenic for NPHP4-related disorders. Last evaluated: 2020-10-22. Review status: criteria provided, single submitter. Criteria: ACMG Guidelines, 2015. Collection method: clinical testing. Allele origin: germline. Affected: yes. Observed: 4 variant alleles.

Genome Diagnostics Laboratory, The Hospital for Sick Children
Classification: Pathogenic for Kidney disorder. Last evaluated: 2020-08-04. Review status: criteria provided, single submitter. Criteria: ACMG Guidelines, 2015. Collection method: clinical testing. Allele origin: germline.

Literature cited by the submitters: PubMed 12205563 (cited by Variantyx, Inc. and Labcorp Genetics (formerly Invitae), Labcorp); PubMed 23559409 (cited by Variantyx, Inc. and Labcorp Genetics (formerly Invitae), Labcorp); PubMed 16199547 (cited by Labcorp Genetics (formerly Invitae), Labcorp).

NM_015102.5(NPHP4):c.3644+1G>A

Gene: NPHP4 (nephrocystin 4; minus strand). Cytogenetic location: 1p36.31.
Variant type: single nucleotide variant.
Coding change: c.3644+1G>A on transcript NM_015102.5 (MANE Select); the canonical splice donor site of the intron after coding-DNA position 3644, G replaced by A.
Molecular consequence: splice donor variant.
Genome position (GRCh38, 1-based): chr1:5,866,372, C>T on the plus strand (G>A on the coding strand, the complement: NPHP4 is on the minus strand). VCF-style: chr1-5866372-C-T. GRCh37 (hg19) VCF-style: chr1-5926432-C-T.
Other names: c.2108+1G>A (NM_001291594.2); c.2105+1G>A (NM_001291593.2).
Identifiers: ClinVar variation 867163 (VCV000867163.9), dbSNP rs756111113, ClinGen allele CA17129851.